The following is an entry in ClinVar:

NM_024675.4(PALB2):c.1886C>T (p.Ser629Phe)

Gene: PALB2 (partner and localizer of BRCA2; minus strand). Cytogenetic location: 16p12.2.
Variant type: single nucleotide variant.
Coding change: c.1886C>T on transcript NM_024675.4 (MANE Select); coding-DNA position 1886, C replaced by T.
Protein change: p.Ser629Phe; replaces serine 629 with phenylalanine.
Molecular consequence: missense variant.
Genome position (GRCh38, 1-based): chr16:23,630,268, G>A on the plus strand (C>T on the coding strand, the complement: PALB2 is on the minus strand). VCF-style: chr16-23630268-G-A. GRCh37 (hg19) VCF-style: chr16-23641589-G-A.
Other names: short protein forms S629F.
Identifiers: ClinVar variation 460916 (VCV000460916.22), dbSNP rs1169756751, ClinGen allele CA395127629.

ClinVar aggregate classification (germline): Uncertain significance. Review status: criteria provided, multiple submitters, no conflicts (2 of 4 stars). 9 submissions from 9 submitters: Uncertain significance (8). 1 of the submissions does not count toward it. Last evaluated 2025-11-09.

Conditions:
PALB2-related cancer predisposition. Identifiers: MedGen CN377761, MONDO:0700272.
Hereditary cancer-predisposing syndrome. Also called: Tumor predisposition; Hereditary Cancer Syndrome; Hereditary neoplastic syndrome; Neoplastic Syndromes, Hereditary. Identifiers: Orphanet 140162, MedGen C0027672, MeSH D009386, MONDO:0015356.
Familial cancer of breast. Also called: Hereditary breast cancer; hereditary breast carcinoma; BREAST CANCER, FAMILIAL. Identifiers: Orphanet 227535, MedGen C0346153, MONDO:0016419, OMIM 114480. Disease mechanism: loss of function.

Allele frequency attached by ClinVar (database versions not stated): TOPMed 0.00002; gnomAD 0.00001.
gnomAD v4.1: 5 of 1,613,938 alleles (0.00031%); highest among the groups gnomAD compares: Non-Finnish European, 0.00042%; no homozygotes.

Submissions (9):

Ambry Genetics
Classification: Uncertain significance for Hereditary cancer-predisposing syndrome. Last evaluated: 2025-11-09. Review status: criteria provided, single submitter. Criteria: Ambry Variant Classification Scheme 2023. Collection method: clinical testing. Allele origin: germline.
Comment: The p.S629F variant (also known as c.1886C>T), located in coding exon 5 of the PALB2 gene, results from a C to T substitution at nucleotide position 1886. The serine at codon 629 is replaced by phenylalanine, an amino acid with highly dissimilar properties. This variant has been reported in 1/1120 pediatric cancer patients who underwent whole genome sequencing and/or whole exome sequencing; this patient was diagnosed with neuroblastoma (Zhang J et al. N Engl J Med, 2015 Dec;373:2336-2346). This amino acid position is not well conserved in available vertebrate species. In addition, this alteration is predicted to be tolerated by in silico analysis. Since supporting evidence is limited at this time, the clinical significance of this alteration remains unclear.

Hema, HEMA – Genetic and Molecular Diagnostic Laboratory
Classification: Uncertain significance for PALB2-related cancer predisposition. Last evaluated: 2025-02-24. Review status: criteria provided, single submitter. Criteria: HEMA Variant Classification Assertion Criteria. Collection method: clinical testing. Allele origin: germline.
Comment: It is a transition from guanine to adenine, resulting in the substitution of serine 629 by phenylalanine in the PALB2 protein. BP1: Missense variant in PALB2, a gene in which pathogenic variants are primarily truncating variants according to the Hereditary Breast, Ovarian and Pancreatic Cancer Variant Curation Expert Panel of ClinGen.

Labcorp Genetics (formerly Invitae), Labcorp
Classification: Uncertain significance for Familial cancer of breast. Last evaluated: 2024-12-30. Review status: criteria provided, single submitter. Criteria: Invitae Variant Classification Sherloc (09022015). Collection method: clinical testing. Allele origin: germline.
Comment: This sequence change replaces serine, which is neutral and polar, with phenylalanine, which is neutral and non-polar, at codon 629 of the PALB2 protein (p.Ser629Phe). This variant is not present in population databases (gnomAD no frequency). This missense change has been observed in individual(s) with neuroblastoma (PMID: 26580448). ClinVar contains an entry for this variant (Variation ID: 460916). Invitae Evidence Modeling of protein sequence and biophysical properties (such as structural, functional, and spatial information, amino acid conservation, physicochemical variation, residue mobility, and thermodynamic stability) indicates that this missense variant is not expected to disrupt PALB2 protein function with a negative predictive value of 80%. In summary, the available evidence is currently insufficient to determine the role of this variant in disease. Therefore, it has been classified as a Variant of Uncertain Significance.

Baylor Genetics
Classification: Uncertain significance for Familial cancer of breast. Last evaluated: 2023-05-26. Review status: criteria provided, single submitter. Criteria: ACMG Guidelines, 2015. Collection method: clinical testing. Allele origin: unknown.

Myriad Genetics, Inc.
Classification: Uncertain significance for Familial cancer of breast. Last evaluated: 2023-03-30. Review status: criteria provided, single submitter. Criteria: Myriad Autosomal Dominant, Autosomal Recessive and X-Linked Classification Criteria (2023). Collection method: clinical testing. Allele origin: unknown.
Comment: This variant is classified as a variant of uncertain significance as there is insufficient evidence to determine its impact on protein function and/or cancer risk.

Mendelics
Classification: Uncertain significance. Last evaluated: 2022-05-04. Review status: criteria provided, single submitter. Criteria: Mendelics Assertion Criteria 2019. Collection method: clinical testing. Allele origin: germline.

Women's Health and Genetics/Laboratory Corporation of America, LabCorp
Classification: Uncertain significance. Last evaluated: 2020-12-03. Review status: criteria provided, single submitter. Criteria: LabCorp Variant Classification Summary - May 2015. Collection method: clinical testing. Allele origin: germline.
Comment: Variant summary: PALB2 c.1886C>T (p.Ser629Phe) results in a non-conservative amino acid change in the encoded protein sequence. Four of five in-silico tools predict a benign effect of the variant on protein function. The variant was absent in 251108 control chromosomes (gnomAD). The available data on variant occurrences in the general population are insufficient to allow any conclusion about variant significance. c.1886C>T has been reported in the literature in an individual affected with neuroblastoma (Zhang_2015). This report does not provide unequivocal conclusions about association of the variant with Breast Cancer. To our knowledge, no experimental evidence demonstrating an impact on protein function has been reported. Four ClinVar submitters (evaluation after 2014) cite the variant as uncertain significance. Based on the evidence outlined above, the variant was classified as uncertain significance.

Color Diagnostics, LLC DBA Color Health
Classification: Uncertain significance for Hereditary cancer-predisposing syndrome. Last evaluated: 2019-11-05. Review status: criteria provided, single submitter. Criteria: ACMG Guidelines, 2015. Collection method: clinical testing. Allele origin: germline.
Comment: This missense variant replaces serine with phenylalanine at codon 629 of the PALB2 protein. Computational prediction suggests that this variant may not impact protein structure and function (internally defined REVEL score threshold <= 0.5, PMID: 27666373). Splice site prediction tools suggest that this variant may not impact RNA splicing. To our knowledge, functional studies have not been performed for this variant. This variant has not been reported in individuals affected with hereditary cancer in the literature. This variant has not been identified in the general population by the Genome Aggregation Database (gnomAD). The available evidence is insufficient to determine the role of this variant in disease conclusively. Therefore, this variant is classified as a Variant of Uncertain Significance.

Counsyl
Classification: Uncertain significance for Familial cancer of breast. Last evaluated: 2018-05-14. Review status: no assertion criteria provided. Collection method: clinical testing. Allele origin: unknown. Not counted in ClinVar's aggregate classification.

Literature cited by the submitters: PubMed 26580448 (cited by 3 submitters).